The following is an entry in ClinVar:

ClinVar aggregate classification (germline): Uncertain significance (1 of 4 stars; one submission).

Conditions:
Severe combined immunodeficiency due to DNA-PKcs deficiency. Also called: IMMUNODEFICIENCY 26 WITH NEUROLOGIC ABNORMALITIES; Immunodeficiency 26 with or without neurologic abnormalities. Identifiers: Orphanet 317425, MedGen C4014833, MONDO:0014423, OMIM 615966.

Allele frequency attached by ClinVar (database versions not stated): ExAC below 0.00001; gnomAD 0.00001; gnomAD exomes 0.00001; TOPMed 0.00001; ESP Exome Variant Server 0.00008.
gnomAD v4.1: 31 of 1,581,094 alleles (0.002%); highest among the groups gnomAD compares: Non-Finnish European, 0.0024%; no homozygotes.

Submission:

Labcorp Genetics (formerly Invitae), Labcorp
Classification: Uncertain significance for Severe combined immunodeficiency due to DNA-PKcs deficiency. Last evaluated: 2022-07-11. Review status: criteria provided, single submitter. Criteria: Invitae Variant Classification Sherloc (09022015). Collection method: clinical testing. Allele origin: germline.
Comment: In summary, the available evidence is currently insufficient to determine the role of this variant in disease. Therefore, it has been classified as a Variant of Uncertain Significance. ClinVar contains an entry for this variant (Variation ID: 863084). This variant has not been reported in the literature in individuals affected with PRKDC-related conditions. The frequency data for this variant in the population databases is considered unreliable, as metrics indicate poor data quality at this position in the gnomAD database. This sequence change replaces valine, which is neutral and non-polar, with methionine, which is neutral and non-polar, at codon 2459 of the PRKDC protein (p.Val2459Met).

NM_006904.7(PRKDC):c.7375G>A (p.Val2459Met)

Gene: PRKDC (protein kinase, DNA-activated, catalytic subunit; minus strand). Cytogenetic location: 8q11.21.
Variant type: single nucleotide variant.
Coding change: c.7375G>A on transcript NM_006904.7 (MANE Select); coding-DNA position 7375, G replaced by A.
Protein change: p.Val2459Met; replaces valine 2459 with methionine.
Molecular consequence: missense variant.
Genome position (GRCh38, 1-based): chr8:47,840,095, C>T on the plus strand (G>A on the coding strand, the complement: PRKDC is on the minus strand). VCF-style: chr8-47840095-C-T. GRCh37 (hg19) VCF-style: chr8-48752656-C-T.
Other names: c.7375G>A, p.Val2459Met (NM_001081640.2); short protein forms V2459M.
Identifiers: ClinVar variation 863084 (VCV000863084.5), dbSNP rs376765911, ClinGen allele CA4740124.